The following is an entry in ClinVar:

ClinVar aggregate classification (germline): Pathogenic (1 of 4 stars; one submission).

Conditions:
Bardet-Biedl syndrome (BBS). Identifiers: Orphanet 110, MedGen C0752166, MONDO:0015229.

Submission:

Laboratory of Medical Genetics (UMR_S 1112), INSERM/Strasbourg University
Classification: Pathogenic for Bardet-Biedl syndrome. Last evaluated: 2020-01-05. Review status: criteria provided, single submitter. Criteria: ACMG Guidelines, 2015. Collection method: clinical testing, in vitro. Allele origin: inherited. Inheritance: Autosomal recessive inheritance. Affected: yes. Observed: 10 variant alleles.
Comment: absent from gnomAD and 1000genomes, variation predicted and confirmed to affect splicing by removing the exon 8 from the mRNA

NM_001278293.3(ARL6):c.535G>A (p.Asp179Asn)

Gene: ARL6 (ARF like GTPase 6; plus strand). Cytogenetic location: 3q11.2.
Variant type: single nucleotide variant.
Coding change: c.535G>A on transcript NM_001278293.3 (MANE Select); coding-DNA position 535, G replaced by A.
Protein change: p.Asp179Asn; replaces aspartic acid 179 with asparagine.
Molecular consequence: missense variant. On other transcripts: non-coding transcript variant (6), intron variant (1).
Genome position (GRCh38, 1-based): chr3:97,791,826, G>A. VCF-style: chr3-97791826-G-A. GRCh37 (hg19) VCF-style: chr3-97510670-G-A.
Other names: c.535G>A, p.Glu179Lys (NM_001323513.2); c.535G>A, p.Asp179Asn (NM_032146.5, NM_177976.3); c.479+3707G>A (NM_001323514.2); short protein forms D179N, E179K.
Identifiers: ClinVar variation 827585 (VCV000827585.3), dbSNP rs2037752645, ClinGen allele CA353589449.
Genomic context (GRCh38, chr3:97,791,826, plus strand): 5'-TTCAGTGCTAGTGATGCCATAAAAGGAGAAGGCTTGCAAGAAGGTGTAGACTGGCTTCAA[G>A]GTACATTACAAAATACTGTGTGTCTTCAGCCTTTGTTTCCTTTTTATTCATATTTTTATC-3'
Protein context (NP_001265222.1, residues 169-186): GLQEGVDWLQ[Asp179Asn]QIQTVKT